The following is an entry in ClinVar:

NM_005101.4(ISG15):c.142C>T (p.His48Tyr)

Gene: ISG15 (ISG15 ubiquitin like modifier; plus strand). Cytogenetic location: 1p36.33.
Variant type: single nucleotide variant.
Coding change: c.142C>T on transcript NM_005101.4 (MANE Select); coding-DNA position 142, C replaced by T.
Protein change: p.His48Tyr; replaces histidine 48 with tyrosine.
Molecular consequence: missense variant.
Genome position (GRCh38, 1-based): chr1:1,014,122, C>T. VCF-style: chr1-1014122-C-T. GRCh37 (hg19) VCF-style: chr1-949502-C-T.
Other names: p.His48Tyr; c.142C>T, p.His48Tyr (LRG_1231t1); short protein forms H48Y.
Identifiers: ClinVar variation 542074 (VCV000542074.8), dbSNP rs150861311, ClinGen allele CA507628.

ClinVar aggregate classification (germline): Uncertain significance. Review status: criteria provided, multiple submitters, no conflicts (2 of 4 stars). 3 submissions from 3 submitters: Uncertain significance (3). Last evaluated 2023-09-25.

Conditions:
Mendelian susceptibility to mycobacterial diseases due to complete ISG15 deficiency. Also called: Immunodeficiency 38; IMMUNODEFICIENCY 38, MYCOBACTERIOSIS, AUTOSOMAL RECESSIVE; ISG15 DEFICIENCY, AUTOSOMAL RECESSIVE; Immunodeficiency 38 with basal ganglia calcification. Identifiers: Orphanet 319563, MedGen C4015293, MONDO:0014502, OMIM 616126.

Allele frequency attached by ClinVar (database versions not stated): gnomAD 0.00008 and 0.00053; ExAC 0.00010; gnomAD exomes 0.00010 and 0.00022; ESP Exome Variant Server 0.00015; TOPMed 0.00064.
gnomAD v4.1: 390 of 1,613,102 alleles (0.024%); highest among the groups gnomAD compares: Non-Finnish European, 0.027%; 1 homozygote.

Submissions (3):

Ambry Genetics
Classification: Uncertain significance. Last evaluated: 2023-09-25. Review status: criteria provided, single submitter. Criteria: Ambry Variant Classification Scheme 2023. Collection method: clinical testing. Allele origin: germline.

Labcorp Genetics (formerly Invitae), Labcorp
Classification: Uncertain significance for Mendelian susceptibility to mycobacterial diseases due to complete ISG15 deficiency. Last evaluated: 2022-08-31. Review status: criteria provided, single submitter. Criteria: Invitae Variant Classification Sherloc (09022015). Collection method: clinical testing. Allele origin: germline.
Comment: This sequence change replaces histidine, which is basic and polar, with tyrosine, which is neutral and polar, at codon 48 of the ISG15 protein (p.His48Tyr). This variant is present in population databases (rs150861311, gnomAD 0.02%). This variant has not been reported in the literature in individuals affected with ISG15-related conditions. ClinVar contains an entry for this variant (Variation ID: 542074). Algorithms developed to predict the effect of missense changes on protein structure and function output the following: SIFT: "Tolerated"; PolyPhen-2: "Benign"; Align-GVGD: "Class C0". The tyrosine amino acid residue is found in multiple mammalian species, which suggests that this missense change does not adversely affect protein function. In summary, the available evidence is currently insufficient to determine the role of this variant in disease. Therefore, it has been classified as a Variant of Uncertain Significance.

Mayo Clinic Laboratories, Mayo Clinic
Classification: Uncertain significance. Last evaluated: 2021-05-25. Review status: criteria provided, single submitter. Criteria: ACMG Guidelines, 2015. Collection method: clinical testing. Allele origin: germline.